The following is an entry in ClinVar:

NM_001148.6(ANK2):c.10273G>C (p.Glu3425Gln)

Gene: ANK2 (ankyrin 2; plus strand). Cytogenetic location: 4q26.
Variant type: single nucleotide variant.
Coding change: c.10273G>C on transcript NM_001148.6 (MANE Select); coding-DNA position 10273, G replaced by C.
Protein change: p.Glu3425Gln; replaces glutamic acid 3425 with glutamine.
Molecular consequence: missense variant. On other transcripts: intron variant (68).
Genome position (GRCh38, 1-based): chr4:113,358,891, G>C. VCF-style: chr4-113358891-G-C. GRCh37 (hg19) VCF-style: chr4-114280047-G-C.
Other names: c.10039G>C, p.Glu3347Gln (NM_001386142.1); c.6673G>C, p.Glu2225Gln (NM_001386166.1); c.10414G>C, p.Glu3472Gln (NM_001386174.1); c.10390G>C, p.Glu3464Gln (NM_001386175.1); c.4412-1932G>C (NM_001386186.2, NM_001386148.2); c.4214-1932G>C (NM_001354269.3); c.4292-1932G>C (NM_001386187.2); c.4253-1932G>C (NM_001386147.1); and 35 more; short protein forms E3347Q, E3472Q, E2225Q, E3464Q, E3425Q.
Identifiers: ClinVar variation 4724050 (VCV004724050.1).

ClinVar aggregate classification (germline): Uncertain significance (1 of 4 stars; one submission).

Conditions:
Long QT syndrome (LQTS). Identifiers: MedGen C0023976, MeSH D008133, MONDO:0002442. Disease mechanism: loss of function. Inheritance: Various modes of inheritance.

Submission:

Labcorp Genetics (formerly Invitae), Labcorp
Classification: Uncertain significance for Long QT syndrome. Last evaluated: 2025-08-03. Review status: criteria provided, single submitter. Criteria: Invitae Variant Classification Sherloc (09022015). Collection method: clinical testing. Allele origin: germline.
Comment: This sequence change replaces glutamic acid, which is acidic and polar, with glutamine, which is neutral and polar, at codon 3425 of the ANK2 protein (p.Glu3425Gln). This variant is not present in population databases (gnomAD no frequency). This variant has not been reported in the literature in individuals affected with ANK2-related conditions. An algorithm developed to predict the effect of missense changes on protein structure and function outputs the following: PolyPhen-2: "Benign". The glutamine amino acid residue is found in multiple mammalian species, which suggests that this missense change does not adversely affect protein function. In summary, the available evidence is currently insufficient to determine the role of this variant in disease. Therefore, it has been classified as a Variant of Uncertain Significance.